The following is an entry in ClinVar:

NM_017849.4(TMEM127):c.63C>G (p.Ser21Arg)

Genes: TMEM127 (transmembrane protein 127; minus strand), LOC129934333 (ATAC-STARR-seq lymphoblastoid silent region 11759; plus strand). Cytogenetic location: 2q11.2.
Variant type: single nucleotide variant.
Coding change: c.63C>G on transcript NM_017849.4 (MANE Select); coding-DNA position 63, C replaced by G.
Protein change: p.Ser21Arg; replaces serine 21 with arginine.
Molecular consequence: missense variant.
Genome position (GRCh38, 1-based): chr2:96,265,319, G>C on the plus strand (C>G on the coding strand, the complement: TMEM127 is on the minus strand). VCF-style: chr2-96265319-G-C. GRCh37 (hg19) VCF-style: chr2-96931057-G-C.
Other names: c.63C>G, p.Ser21Arg (NM_001193304.3); short protein forms S21R.
Identifiers: ClinVar variation 933349 (VCV000933349.10), dbSNP rs1573977946, ClinGen allele CA347656189.

ClinVar aggregate classification (germline): Uncertain significance (1 of 4 stars; one submission).

Conditions:
Hereditary pheochromocytoma and paraganglioma. Also called: Hereditary pheochromocytoma-paraganglioma; Hereditary Paraganglioma-Pheochromocytoma Syndromes; Hereditary paragangliomas and pheochromocytomas. Identifiers: Orphanet 29072, MedGen C4274332, MONDO:0017366.

Submission:

Labcorp Genetics (formerly Invitae), Labcorp
Classification: Uncertain significance for Hereditary pheochromocytoma and paraganglioma. Last evaluated: 2019-06-29. Review status: criteria provided, single submitter. Criteria: Invitae Variant Classification Sherloc (09022015). Collection method: clinical testing. Allele origin: germline.
Comment: This variant has not been reported in the literature in individuals with TMEM127-related conditions. In summary, the available evidence is currently insufficient to determine the role of this variant in disease. Therefore, it has been classified as a Variant of Uncertain Significance. The frequency data for this variant in the population databases is considered unreliable, as metrics indicate insufficient coverage at this position in the ExAC database. This sequence change replaces serine with arginine at codon 21 of the TMEM127 protein (p.Ser21Arg). The serine residue is moderately conserved and there is a moderate physicochemical difference between serine and arginine.